The following is an entry in ClinVar:

NM_001372044.2(SHANK3):c.2029C>T (p.Pro677Ser)

Genes: SHANK3 (SH3 and multiple ankyrin repeat domains 3; plus strand), LOC126863188 (CDK7 strongly-dependent group 2 enhancer GRCh37_chr22:51142004-51143203; plus strand). Cytogenetic location: 22q13.33.
Variant type: single nucleotide variant.
Coding change: c.2029C>T on transcript NM_001372044.2 (MANE Select); coding-DNA position 2029, C replaced by T.
Protein change: p.Pro677Ser; replaces proline 677 with serine.
Molecular consequence: missense variant.
Genome position (GRCh38, 1-based): chr22:50,704,770, C>T. VCF-style: chr22-50704770-C-T. GRCh37 (hg19) VCF-style: chr22-51143198-C-T.
Other names: c.1804C>T (NM_033517.1); short protein forms P677S.
Identifiers: ClinVar variation 3365546 (VCV003365546.1).

ClinVar aggregate classification (germline): Uncertain significance (1 of 4 stars; one submission).

Submission:

GeneDx
Classification: Uncertain significance. Last evaluated: 2023-12-14. Review status: criteria provided, single submitter. Criteria: GeneDx Variant Classification Process June 2021. Collection method: clinical testing. Allele origin: germline. Affected: yes.
Comment: Not observed at significant frequency in large population cohorts (gnomAD); In silico analysis supports that this missense variant has a deleterious effect on protein structure/function; Has not been previously published as pathogenic or benign to our knowledge